The following is an entry in ClinVar:

NM_000218.3(KCNQ1):c.1075C>T (p.Gln359Ter)

Gene: KCNQ1 (potassium voltage-gated channel subfamily Q member 1; plus strand). Cytogenetic location: 11p15.5.
Variant type: single nucleotide variant.
Coding change: c.1075C>T on transcript NM_000218.3 (MANE Select); coding-DNA position 1075, C replaced by T.
Protein change: p.Gln359Ter; replaces glutamine 359 with a stop codon.
Molecular consequence: nonsense.
Genome position (GRCh38, 1-based): chr11:2,585,254, C>T. VCF-style: chr11-2585254-C-T. GRCh37 (hg19) VCF-style: chr11-2606484-C-T.
Other names: p.Q359*:CAG>TAG; p.Gln359*; c.805C>T, p.Gln269Ter (NM_001406837.1); c.694C>T, p.Gln232Ter (NM_181798.2); short protein forms Q359*, Q232*, Q269*.
Identifiers: ClinVar variation 52950 (VCV000052950.37), dbSNP rs397508075, ClinGen allele CA005174.

ClinVar aggregate classification (germline): Pathogenic/Likely pathogenic. Review status: criteria provided, multiple submitters, no conflicts (2 of 4 stars). 14 submissions from 14 submitters: Pathogenic (12); Likely pathogenic (1). 1 of the submissions does not count toward it. Last evaluated 2026-01-19.

Conditions:
KCNQ1-related disorder. Also called: KCNQ1-related disorders; KCNQ1-related condition. Identifiers: MedGen CN239322.
Atrial fibrillation, familial, 3 (ATFB3). Identifiers: MedGen C1837014, MONDO:0011857, OMIM 607554.
Long QT syndrome 1 (LQT1). Identifiers: Orphanet 101016, Orphanet 768, MedGen C4551647, MONDO:0100316, OMIM 192500, MONDO:0008646.
Beckwith-Wiedemann syndrome (BWS). Also called: Exomphalos macroglossia gigantism syndrome; EMG SYNDROME. Identifiers: Orphanet 116, MedGen C0004903, MONDO:0007534, OMIM 130650.
Jervell and Lange-Nielsen syndrome 1 (JLNS1). Also called: PROLONGED QT INTERVAL IN EKG AND SUDDEN DEATH; SURDO-CARDIAC SYNDROME; CARDIOAUDITORY SYNDROME OF JERVELL AND LANGE-NIELSEN; DEAFNESS, CONGENITAL, AND FUNCTIONAL HEART DISEASE. Identifiers: Orphanet 768, Orphanet 90647, MedGen C4551509, MONDO:0024540, OMIM 220400.
Short QT syndrome type 2. Identifiers: Orphanet 51083, MedGen C1865019, MONDO:0012313, OMIM 609621.
Cardiovascular phenotype. Identifiers: MedGen CN230736.
Cardiac arrhythmia. Also called: Arrhythmia; Cardiac rhythm disease. Identifiers: MedGen C0003811, MONDO:0007263, HP:0011675.
Long QT syndrome (LQTS). Identifiers: MedGen C0023976, MeSH D008133, MONDO:0002442. Disease mechanism: loss of function. Inheritance: Various modes of inheritance.

Allele frequency attached by ClinVar (database versions not stated): gnomAD exomes 0.00001; TOPMed below 0.00001.
gnomAD v4.1: 10 of 1,614,088 alleles (0.00062%); highest among the groups gnomAD compares: Non-Finnish European, 0.00085%; no homozygotes.

Submissions (14):

Labcorp Genetics (formerly Invitae), Labcorp
Classification: Pathogenic for Long QT syndrome. Last evaluated: 2026-01-19. Review status: criteria provided, single submitter. Criteria: Invitae Variant Classification Sherloc (09022015). Collection method: clinical testing. Allele origin: germline.
Comment: This sequence change creates a premature translational stop signal (p.Gln359*) in the KCNQ1 gene. It is expected to result in an absent or disrupted protein product. Loss-of-function variants in KCNQ1 are known to be pathogenic (PMID: 9323054, 19862833). This variant is not present in population databases (gnomAD no frequency). This premature translational stop signal has been observed in individual(s) with long QT syndrome (PMID: 19716085, 19841300, 22956155). ClinVar contains an entry for this variant (Variation ID: 52950). Algorithms developed to predict the effect of sequence changes on RNA splicing suggest that this variant may disrupt the consensus splice site. For these reasons, this variant has been classified as Pathogenic.

Mayo Clinic Laboratories, Mayo Clinic
Classification: Pathogenic. Last evaluated: 2025-11-20. Review status: criteria provided, single submitter. Criteria: ACMG Guidelines, 2015. Collection method: clinical testing. Allele origin: germline. Observed: 1 variant allele.
Comment: PM2_supporting, PS4_moderate, PVS1

Ambry Genetics
Classification: Pathogenic for Cardiovascular phenotype. Last evaluated: 2025-11-07. Review status: criteria provided, single submitter. Criteria: Ambry Variant Classification Scheme 2023. Collection method: clinical testing. Allele origin: germline.
Comment: The c.1075C>T (p.Q359*) alteration, located in exon 8 (coding exon 8) of the KCNQ1 gene, consists of a C to T substitution at nucleotide position 1075. This changes the amino acid from a glutamine (Q) to a stop codon at amino acid position 359. This alteration is expected to result in loss of function by premature protein truncation or nonsense-mediated mRNA decay. for AD KCNQ1-related long QT syndrome; however, its clinical significance for AR KCNQ1-related Jervell and Lange-Nielsen syndrome and AD KCNQ1-related short QT syndrome is uncertain. This variant was not reported in population-based cohorts in the Genome Aggregation Database (gnomAD). This variant was reported in individuals with features consistent with KCNQ1-related long QT syndrome (Kapa, 2009; Kapplinger, 2009; Aziz, 2011; Ware, 2013; Vijayakumar, 2014). Based on the available evidence, this alteration is classified as pathogenic.

All of Us Research Program, National Institutes of Health
Classification: Pathogenic for Long QT syndrome. Last evaluated: 2024-09-16. Review status: criteria provided, single submitter. Criteria: ACMG Guidelines, 2015. Collection method: clinical testing. Allele origin: germline. Inheritance: Autosomal dominant inheritance. Observed: 2 variant alleles, 2 heterozygotes.
Comment: The c.1075C>T (p.Gln359*) variant in the KCNQ1 gene is expected to introduce a premature translation stop codon resulting in an absent or disrupted protein. This variant has been reported in multiple individuals with long QT syndrome (PMID: 19716085, 19841300, 22956155, 23631430, 27920829, 21956039, 25294783). Loss of function is a known mechanism of disease for LongQT syndrome. Clinvar contains an entry for this variant (Variation ID: 52950). This variant is absent in the general population database (gnomAD). Based on the available evidence c.1075C>T (p.Gln359*) in the KCNQ1 gene is classified as pathogenic.

This study involves interpretation of variants in research participants for the purpose of population health screening. Participant phenotype was not available at the time of variant classification. Additional details can be found in publication PMID: 35346344, PMCID: PMC8962531

Color Diagnostics, LLC DBA Color Health
Classification: Pathogenic for Cardiac arrhythmia. Last evaluated: 2024-02-14. Review status: criteria provided, single submitter. Criteria: ACMG Guidelines, 2015. Collection method: clinical testing. Allele origin: germline.
Comment: This variant changes 1 nucleotide in exon 8 of the KCNQ1 gene, creating a premature translation stop signal. This variant is expected to result in an absent or non-functional protein product. This variant has been reported in multiple individuals affected with long QT syndrome (PMID: PMID: 19716085, 19841300, 22956155). This variant has not been identified in the general population by the Genome Aggregation Database (gnomAD). Loss of KCNQ1 function is a known mechanism of disease. Based on the available evidence, this variant is classified as Pathogenic.

Molecular Genetics Laboratory - Cardiogenetics, CHU de Nantes
Classification: Pathogenic for Long QT syndrome 1. Last evaluated: 2023-08-01. Review status: criteria provided, single submitter. Criteria: ACMG Guidelines, 2015. Collection method: clinical testing. Allele origin: germline. Affected: yes.

Baylor Genetics
Classification: Pathogenic for Long QT syndrome 1. Last evaluated: 2023-07-27. Review status: criteria provided, single submitter. Criteria: ACMG Guidelines, 2015. Collection method: clinical testing. Allele origin: unknown.

Victorian Clinical Genetics Services, Murdoch Childrens Research Institute
Classification: Pathogenic for Long QT syndrome 1. Last evaluated: 2023-07-17. Review status: criteria provided, single submitter. Criteria: ACMG Guidelines, 2015. Collection method: clinical testing. Allele origin: germline. Inheritance: Autosomal dominant inheritance. Affected: yes.
Comment: Based on the classification scheme VCGS_Germline_v1.3.4, this variant is classified as Pathogenic. Following criteria are met: 0103 - Dominant negative, loss of function and gain of function are known mechanisms of disease in this gene. Gain of function variants result exclusively in short QT syndrome 2 (MIM#609621), while dominant negative and loss of function variants can cause long QT syndrome 1 (LQTS, MIM#192500), familial atrial fibrillation 3 (MIM#607554) as well as Jervell and Lange-Nielsen syndrome (JLNS, MIM#220400) (OMIM, PMIDs: 19632626, 28438721). (I) 0108 - This gene is known to be associated with both recessive and dominant disease. JLNS is characterised by congenital, bilateral deafness and variable degrees of QT prolongation, and is the only condition caused by biallelic variants (PMID: 28438721). (I) 0112 - The condition associated with this gene has incomplete penetrance (OMIM, PMID: 20301308). (I) 0201 - Variant is predicted to cause nonsense-mediated decay (NMD) and loss of protein (premature termination codon is located at least 54 nucleotides upstream of the final exon-exon junction). (SP) 0251 - This variant is heterozygous. (I) 0301 - Variant is absent from gnomAD (both v2 and v3). (SP) 0701 - Other premature termination variants comparable to the one identified in this case have very strong previous evidence for pathogenicity. Many NMD-predicted variants in this gene have been reported as likely pathogenic/pathogenic, and reported in individuals with long QT syndrome (ClinVar, PMID: 19841300). (SP) 0801 - This variant has strong previous evidence of pathogenicity in unrelated individuals. It has been reported in multiple unrelated individuals with long QT syndrome, and as likely pathogenic/pathogenic by multiple clinical testing laboratories (ClinVar, PMIDs: 19841300, 21956039, 25294783). (SP) 1208 - Inheritance information for this variant is not currently available in this individual. (I) Legend: (SP) - Supporting pathogenic, (I) - Information, (SB) - Supporting benign

GeneDx
Classification: Pathogenic. Last evaluated: 2023-04-25. Review status: criteria provided, single submitter. Criteria: GeneDx Variant Classification Process June 2021. Collection method: clinical testing. Allele origin: germline. Affected: yes.
Comment: Nonsense variant predicted to result in protein truncation or nonsense mediated decay in a gene for which loss of function is a known mechanism of disease; Not observed at significant frequency in large population cohorts (gnomAD); This variant is associated with the following publications: (PMID: 22956155, 25294783, 21956039, 26370830, 19841300, 29265593, 19716085, 34505893)

Fulgent Genetics
Classification: Pathogenic for Beckwith-Wiedemann syndrome; Long QT syndrome 1; Jervell and Lange-Nielsen syndrome 1; Atrial fibrillation, familial, 3; Short QT syndrome type 2. Last evaluated: 2021-09-22. Review status: criteria provided, single submitter. Criteria: ACMG Guidelines, 2015. Collection method: clinical testing. Allele origin: unknown.

AiLife Diagnostics
Classification: Pathogenic. Last evaluated: 2021-07-16. Review status: criteria provided, single submitter. Criteria: ACMG Guidelines, 2015. Collection method: clinical testing. Allele origin: germline. Affected: yes. Observed: 1 variant allele.

Women's Health and Genetics/Laboratory Corporation of America, LabCorp
Classification: Pathogenic for Long QT syndrome. Last evaluated: 2020-12-29. Review status: criteria provided, single submitter. Criteria: LabCorp Variant Classification Summary - May 2015. Collection method: clinical testing. Allele origin: germline.
Comment: Variant summary: KCNQ1 c.1075C>T (p.Gln359X) results in a premature termination codon, predicted to cause a truncation of the encoded protein or absence of the protein due to nonsense mediated decay, which are commonly known mechanisms for disease. Truncations downstream of this position have been classified as pathogenic by our laboratory. The variant was absent in 254048 control chromosomes. c.1075C>T has been reported in the literature in individuals affected with Long QT Syndrome (example, Kapplinger_2009, Kapa_2009, Ware_2013, Lieve_2013, Burns_2016). These data indicate that the variant is likely to be associated with disease. To our knowledge, no experimental evidence demonstrating an impact on protein function has been reported. Four clinical diagnostic laboratories have submitted clinical-significance assessments for this variant to ClinVar after 2014 without evidence for independent evaluation. All laboratories classified the variant as pathogenic. Based on the evidence outlined above, the variant was classified as pathogenic.

Stanford Center for Inherited Cardiovascular Disease, Stanford University
Classification: Likely pathogenic. Last evaluated: 2014-05-14. Review status: criteria provided, single submitter. Criteria: ACMG Guidelines, 2015. Collection method: provider interpretation. Allele origin: germline.

PreventionGenetics, part of Exact Sciences
Classification: Pathogenic for KCNQ1-related condition. Last evaluated: 2024-06-06. Review status: no assertion criteria provided. Collection method: clinical testing. Allele origin: germline. Not counted in ClinVar's aggregate classification.
Comment: The KCNQ1 c.1075C>T variant is predicted to result in premature protein termination (p.Gln359*). This variant was reported in multiple individuals with long QT syndrome (Kapplinger et al. 2009. PubMed ID: 19716085; Schwartz et al. 2021. PubMed ID: 34505893, supplementary data). This variant has not been reported in a large population database, indicating this variant is rare. Nonsense variants in KCNQ1 are expected to be pathogenic. This variant is interpreted as pathogenic.

Literature cited by the submitters: PubMed 9323054 (cited by Labcorp Genetics (formerly Invitae), Labcorp); PubMed 19862833 (cited by Labcorp Genetics (formerly Invitae), Labcorp); PubMed 19716085 (cited by 7 submitters); PubMed 19841300 (cited by 8 submitters); PubMed 22956155 (cited by 7 submitters); PubMed 21956039 (cited by 4 submitters); PubMed 25294783 (cited by 4 submitters); PubMed 34505893 (cited by Mayo Clinic Laboratories, Mayo Clinic); PubMed 23631430 (cited by 3 submitters); PubMed 27920829 (cited by 3 submitters); PubMed 19632626 (cited by Victorian Clinical Genetics Services, Murdoch Childrens Research Institute); PubMed 20301308 (cited by Victorian Clinical Genetics Services, Murdoch Childrens Research Institute); PubMed 28438721 (cited by Victorian Clinical Genetics Services, Murdoch Childrens Research Institute).